The following is an entry in ClinVar:

ClinVar aggregate classification (germline): Uncertain significance (1 of 4 stars; one submission).

Conditions:
Hereditary sensory and autonomic neuropathy type 6. Also called: HSAN VI; Neuropathy, hereditary sensory and autonomic, type VI. Identifiers: Orphanet 314381, MedGen C3539003, MONDO:0013839, OMIM 614653.
Epidermolysis bullosa simplex 3, localized or generalized intermediate, with BP230 deficiency (EBS3). Also called: Epidermolysis bullosa simplex, autosomal recessive 2; Epidermolysis bullosa simplex due to BP230 deficiency. Identifiers: Orphanet 412181, MedGen C3809470, MONDO:0014180, OMIM 615425.

Submission:

Labcorp Genetics (formerly Invitae), Labcorp
Classification: Uncertain significance for Epidermolysis bullosa simplex 3, localized or generalized intermediate, with BP230 deficiency; Hereditary sensory and autonomic neuropathy type 6. Last evaluated: 2022-05-31. Review status: criteria provided, single submitter. Criteria: Invitae Variant Classification Sherloc (09022015). Collection method: clinical testing. Allele origin: germline.
Comment: In summary, the available evidence is currently insufficient to determine the role of this variant in disease. Therefore, it has been classified as a Variant of Uncertain Significance. Experimental studies and prediction algorithms are not available or were not evaluated, and the effect of this variant on mRNA splicing is currently unknown. This variant has not been reported in the literature in individuals affected with DST-related conditions. This variant is present in population databases (no rsID available, gnomAD 0.01%). This sequence change falls in intron 35 of the DST gene. It does not directly change the encoded amino acid sequence of the DST protein. The DST gene has multiple clinically relevant transcripts. This variant occurs in alternate transcript NM_015548.4, and corresponds to NM_001723.5:c.*46906_*46907del in the primary transcript.

NM_001374736.1(DST):c.13879-16_13879-15del

Gene: DST (dystonin; minus strand). Cytogenetic location: 6p12.1.
Variant type: Microsatellite.
Coding change: c.13879-16_13879-15del on transcript NM_001374736.1 (MANE Select); 16 bases into the intron before coding-DNA position 13879 through 15 bases into the intron before coding-DNA position 13879, 2 bases deleted (GT; older notation c.13879-16_13879-15delGT).
Molecular consequence: intron variant.
Genome position (GRCh38, 1-based): chr6:56,568,610-56,568,611, AC deleted on the plus strand (GT on the coding strand, the reverse complement: DST is on the minus strand); deleting any 2 consecutive bases within chr6:56,568,610-56,568,614 gives the same sequence; the c. name uses the placement nearest the transcript's 3' end. VCF-style (leftmost placement, unchanged base first): chr6-56568609-AAC-A. GRCh37 (hg19) VCF-style: chr6-56433407-AAC-A.
Other names: c.7522-16_7522-15del (NM_001144769.5); c.13879-16_13879-15del (NM_001374722.1); c.13906-16_13906-15del (NM_001374734.1); c.7108-16_7108-15del (NM_001144770.2); c.6988-16_6988-15del (NM_001374730.1, NM_001386100.1, NM_183380.4); c.13246-16_13246-15del (NM_001374729.1); c.6010-16_6010-15del (NM_015548.5).
Identifiers: ClinVar variation 1935412 (VCV001935412.5), dbSNP rs1175721998, ClinGen allele CA567377161.